The following is an entry in ClinVar:

NM_001277115.2(DNAH11):c.10883del (p.Leu3628fs)

Gene: DNAH11 (dynein axonemal heavy chain 11; plus strand). Cytogenetic location: 7p15.3.
Variant type: Deletion.
Coding change: c.10883del on transcript NM_001277115.2 (MANE Select); coding-DNA position 10883, one base deleted (T; older notation c.10883delT).
Protein change: p.Leu3628fs; shifts the reading frame from leucine 3628.
Molecular consequence: frameshift variant.
Genome position (GRCh38, 1-based): chr7:21,842,735, T deleted; the last of 3 consecutive T bases (chr7:21,842,733-21,842,735); deleting any one gives the same sequence. VCF-style (leftmost placement, unchanged base first): chr7-21842732-AT-A. GRCh37 (hg19) VCF-style: chr7-21882350-AT-A.
Other names: short protein forms L3628fs.
Identifiers: ClinVar variation 1389066 (VCV001389066.6), dbSNP rs2128016880, ClinGen allele CA2573142051.

ClinVar aggregate classification (germline): Pathogenic (1 of 4 stars; one submission).

Conditions:
Primary ciliary dyskinesia. Also called: Ciliary dyskinesia. Identifiers: Orphanet 244, MedGen C0008780, MONDO:0016575, HP:0012265.

Submission:

Labcorp Genetics (formerly Invitae), Labcorp
Classification: Pathogenic for Primary ciliary dyskinesia. Last evaluated: 2020-12-24. Review status: criteria provided, single submitter. Criteria: Invitae Variant Classification Sherloc (09022015). Collection method: clinical testing. Allele origin: germline.
Comment: This sequence change creates a premature translational stop signal (p.Leu3628Trpfs*8) in the DNAH11 gene. It is expected to result in an absent or disrupted protein product. Loss-of-function variants in DNAH11 are known to be pathogenic (PMID: 18022865, 20513915, 22184204). This variant is not present in population databases (ExAC no frequency). This variant has not been reported in the literature in individuals with DNAH11-related conditions. For these reasons, this variant has been classified as Pathogenic.

Literature cited by the submitters: PubMed 18022865; PubMed 20513915; PubMed 22184204.